The following is an entry in ClinVar:

ClinVar aggregate classification (germline): Uncertain significance (1 of 4 stars; one submission).

Submission:

Labcorp Genetics (formerly Invitae), Labcorp
Classification: Uncertain significance. Last evaluated: 2023-12-11. Review status: criteria provided, single submitter. Criteria: Invitae Variant Classification Sherloc (09022015). Collection method: clinical testing. Allele origin: germline.
Comment: This sequence change replaces proline, which is neutral and non-polar, with alanine, which is neutral and non-polar, at codon 546 of the TAF1 protein (p.Pro546Ala). This variant is not present in population databases (gnomAD no frequency). This variant has not been reported in the literature in individuals affected with TAF1-related conditions. ClinVar contains an entry for this variant (Variation ID: 1999858). An algorithm developed to predict the effect of missense changes on protein structure and function (PolyPhen-2) suggests that this variant is likely to be disruptive. In summary, the available evidence is currently insufficient to determine the role of this variant in disease. Therefore, it has been classified as a Variant of Uncertain Significance.

NM_004606.5(TAF1):c.1576C>G (p.Pro526Ala)

Gene: TAF1 (TATA-box binding protein associated factor 1; plus strand). Cytogenetic location: Xq13.1.
Variant type: single nucleotide variant.
Coding change: c.1576C>G on transcript NM_004606.5 (MANE Select); coding-DNA position 1576, C replaced by G.
Protein change: p.Pro526Ala; replaces proline 526 with alanine.
Molecular consequence: missense variant. On other transcripts: non-coding transcript variant (9).
Genome position (GRCh38, 1-based): chrX:71,382,574, C>G. VCF-style: chrX-71382574-C-G. GRCh37 (hg19) VCF-style: chrX-70602424-C-G.
Other names: c.1576C>G, p.Pro526Ala (NM_001286074.2); c.1513C>G, p.Pro505Ala (NM_138923.4); short protein forms P505A, P526A.
Identifiers: ClinVar variation 1999858 (VCV001999858.4), dbSNP rs2520217823, ClinGen allele CA413513406.